The following is an entry in ClinVar:

NM_006009.4(TUBA1A):c.4-4A>G

Gene: TUBA1A (tubulin alpha 1a; minus strand). Cytogenetic location: 12q13.12.
Variant type: single nucleotide variant.
Coding change: c.4-4A>G on transcript NM_006009.4 (MANE Select); 4 bases into the intron before coding-DNA position 4, A replaced by G.
Molecular consequence: intron variant.
Genome position (GRCh38, 1-based): chr12:49,186,837, T>C on the plus strand (A>G on the coding strand, the complement: TUBA1A is on the minus strand). VCF-style: chr12-49186837-T-C. GRCh37 (hg19) VCF-style: chr12-49580620-T-C.
Other names: c.-102-4A>G (NM_001270400.2); c.4-4A>G (NM_001270399.2, NM_006009.3).
Identifiers: ClinVar variation 506692 (VCV000506692.6), dbSNP rs1280504729, ClinGen allele CA605234508.

ClinVar aggregate classification (germline): Likely benign. Review status: criteria provided, multiple submitters, no conflicts (2 of 4 stars). 3 submissions from 3 submitters: Likely benign (2). 1 of the submissions does not count toward it. Last evaluated 2025-04-21.

Conditions:
TUBA1A-related disorder. Also called: TUBA1A-related condition.

Allele frequency attached by ClinVar (database versions not stated): TOPMed 0.00001; gnomAD 0.00003.

Submissions (3):

Labcorp Genetics (formerly Invitae), Labcorp
Classification: Likely benign. Last evaluated: 2025-04-21. Review status: criteria provided, single submitter. Criteria: Invitae Variant Classification Sherloc (09022015). Collection method: clinical testing. Allele origin: germline.

GeneDx
Classification: Likely benign. Last evaluated: 2017-02-02. Review status: criteria provided, single submitter. Criteria: GeneDx Variant Classification (06012015). Collection method: clinical testing. Allele origin: germline. Affected: yes.
Comment: This variant is considered likely benign or benign based on one or more of the following criteria: it is a conservative change, it occurs at a poorly conserved position in the protein, it is predicted to be benign by multiple in silico algorithms, and/or has population frequency not consistent with disease.

PreventionGenetics, part of Exact Sciences
Classification: Likely benign for TUBA1A-related condition. Last evaluated: 2024-04-05. Review status: no assertion criteria provided. Collection method: clinical testing. Allele origin: germline. Not counted in ClinVar's aggregate classification.
Comment: This variant is classified as likely benign based on ACMG/AMP sequence variant interpretation guidelines (Richards et al. 2015 PMID: 25741868, with internal and published modifications).